The following is an entry in ClinVar:

ClinVar aggregate classification (germline): Likely benign (1 of 4 stars; one submission).

Conditions:
Leigh syndrome (NULS). Also called: Leigh's necrotizing encephalopathy; Leigh's disease; Leigh Syndrome (mtDNA deletion); Leigh Disease; Subacute necrotizing encephalopathy; Necrotizing encephalopathy infantile subacute of Leigh. Identifiers: Orphanet 506, MedGen C2931891, MONDO:0009723, OMIM 256000.

Submission:

Wong Mito Lab, Molecular and Human Genetics, Baylor College of Medicine
Classification: Likely benign for Leigh syndrome. Last evaluated: 2019-10-17. Review status: criteria provided, single submitter. Criteria: Modified ACMG Guidelines (Unpublished). Collection method: clinical testing. Allele origin: germline.
Comment: The NC_012920.1:m.8895T>A (YP_003024031.1:p.Asn123Lys) variant in MTATP6 gene is interpretated to be a Likely Benign variant based on the modified ACMG guidelines (unpublished). This variant meets the following evidence codes: BS4, BP4

Literature cited by the submitters: PubMed 18682780.

NC_012920.1(MT-ATP6):m.8895T>A

Gene: MT-ATP6 (mitochondrially encoded ATP synthase 6; plus strand).
Variant type: single nucleotide variant.
Genome position: chrM-8895-T-A.
Identifiers: ClinVar variation 693016 (VCV000693016.1), dbSNP rs1603221884, ClinGen allele CA414798787.
Genomic context (GRCh38, chrMT:8,895, plus strand): 5'-CATGGCCATCCCCTTATGAGCGGGCACAGTGATTATAGGCTTTCGCTCTAAGATTAAAAA[T>A]GCCCTAGCCCACTTCTTACCACAAGGCACACCTACACCCCTTATCCCCATACTAGTTATT-3'